The following is an entry in ClinVar:

NM_000297.4(PKD2):c.2792C>T (p.Thr931Met)

Gene: PKD2 (polycystin 2, transient receptor potential cation channel; plus strand). Cytogenetic location: 4q22.1.
Variant type: single nucleotide variant.
Coding change: c.2792C>T on transcript NM_000297.4 (MANE Select); coding-DNA position 2792, C replaced by T.
Protein change: p.Thr931Met; replaces threonine 931 with methionine.
Molecular consequence: missense variant. On other transcripts: non-coding transcript variant (1).
Genome position (GRCh38, 1-based): chr4:88,075,579, C>T. VCF-style: chr4-88075579-C-T. GRCh37 (hg19) VCF-style: chr4-88996731-C-T.
Other names: short protein forms T931M.
Identifiers: ClinVar variation 809639 (VCV000809639.48), dbSNP rs368926162, ClinGen allele CA3004362.

ClinVar aggregate classification (germline): Uncertain significance. Review status: criteria provided, multiple submitters, no conflicts (2 of 4 stars). 3 submissions from 3 submitters: Uncertain significance (3). Last evaluated 2025-08-29.

Conditions:
Polycystic kidney disease 2 (PKD2). Also called: Polycystic Kidney Disease 2, Autosomal Dominant; POLYCYSTIC KIDNEY DISEASE, ADULT, TYPE II; POLYCYSTIC KIDNEY DISEASE 2 WITH OR WITHOUT POLYCYSTIC LIVER DISEASE. Identifiers: MedGen C2751306, MONDO:0013131, OMIM 613095.
Autosomal dominant polycystic kidney disease. Identifiers: Orphanet 730, MedGen C0085413, MONDO:0004691.

Allele frequency attached by ClinVar (database versions not stated): gnomAD exomes 0.00002 and 0.00006; TOPMed 0.00002; gnomAD 0.00004 and 0.00007; ExAC 0.00007; 1000 Genomes Project 0.00060; 1000 Genomes Project 30x 0.00062.
gnomAD v4.1: 38 of 1,614,126 alleles (0.0024%); highest among the groups gnomAD compares: East Asian, 0.045%; no homozygotes.

Submissions (3):

Labcorp Genetics (formerly Invitae), Labcorp
Classification: Uncertain significance for Autosomal dominant polycystic kidney disease. Last evaluated: 2025-08-29. Review status: criteria provided, single submitter. Criteria: Invitae Variant Classification Sherloc (09022015). Collection method: clinical testing. Allele origin: germline.
Comment: This sequence change replaces threonine, which is neutral and polar, with methionine, which is neutral and non-polar, at codon 931 of the PKD2 protein (p.Thr931Met). This variant is present in population databases (rs368926162, gnomAD 0.07%), and has an allele count higher than expected for a pathogenic variant. This variant has not been reported in the literature in individuals affected with PKD2-related conditions. ClinVar contains an entry for this variant (Variation ID: 809639). An algorithm developed to predict the effect of missense changes on protein structure and function outputs the following: PolyPhen-2: "Benign". The methionine amino acid residue is found in multiple mammalian species, which suggests that this missense change does not adversely affect protein function. Experimental studies have shown that this missense change affects PKD2 function (PMID: 37028763). In summary, the available evidence is currently insufficient to determine the role of this variant in disease. Therefore, it has been classified as a Variant of Uncertain Significance.

CeGaT Center for Human Genetics Tuebingen
Classification: Uncertain significance. Last evaluated: 2017-07-01. Review status: criteria provided, single submitter. Criteria: CeGaT Center For Human Genetics Tuebingen Variant Classification Criteria Version 2. Collection method: clinical testing. Allele origin: germline. Affected: yes. Observed: 1 variant allele.

Juno Genomics, Hangzhou Juno Genomics, Inc
Classification: Uncertain significance for Polycystic kidney disease 2. Review status: criteria provided, single submitter. Criteria: ACMG Guidelines, 2015. Collection method: clinical testing. Allele origin: germline. Affected: yes.
Comment: Absent from controls (or at extremely low frequency if recessive) in Genome Aggregation Database, Exome Sequencing Project, 1000 Genomes Project, or Exome Aggregation Consortium.

Literature cited by the submitters: PubMed 37028763 (cited by Labcorp Genetics (formerly Invitae), Labcorp).